The following is an entry in ClinVar:

ClinVar aggregate classification (germline): Uncertain significance. Review status: criteria provided, multiple submitters, no conflicts (2 of 4 stars). 3 submissions from 3 submitters: Uncertain significance (3). Last evaluated 2025-05-04.

Conditions:
Colorectal cancer, hereditary nonpolyposis, type 7. Identifiers: Orphanet 144, MedGen C1858380, MONDO:0013725, OMIM 614385.

Allele frequency attached by ClinVar (database versions not stated): gnomAD exomes below 0.00001.
gnomAD v4.1: 4 of 1,613,142 alleles (0.00025%); highest among the groups gnomAD compares: Non-Finnish European, 0.00034%; no homozygotes.

Submissions (3):

Labcorp Genetics (formerly Invitae), Labcorp
Classification: Uncertain significance for Colorectal cancer, hereditary nonpolyposis, type 7. Last evaluated: 2025-05-04. Review status: criteria provided, single submitter. Criteria: Invitae Variant Classification Sherloc (09022015). Collection method: clinical testing. Allele origin: germline.
Comment: This sequence change replaces serine, which is neutral and polar, with phenylalanine, which is neutral and non-polar, at codon 605 of the MLH3 protein (p.Ser605Phe). This variant is not present in population databases (gnomAD no frequency). This variant has not been reported in the literature in individuals affected with MLH3-related conditions. ClinVar contains an entry for this variant (Variation ID: 884293). An algorithm developed to predict the effect of missense changes on protein structure and function (PolyPhen-2) suggests that this variant is likely to be disruptive. In summary, the available evidence is currently insufficient to determine the role of this variant in disease. Therefore, it has been classified as a Variant of Uncertain Significance.

Ambry Genetics
Classification: Uncertain significance. Last evaluated: 2024-06-17. Review status: criteria provided, single submitter. Criteria: Ambry Variant Classification Scheme 2023. Collection method: clinical testing. Allele origin: germline.
Comment: The p.S605F variant (also known as c.1814C>T), located in coding exon 1 of the MLH3 gene, results from a C to T substitution at nucleotide position 1814. The serine at codon 605 is replaced by phenylalanine, an amino acid with highly dissimilar properties. This amino acid position is conserved. In addition, the in silico prediction for this alteration is inconclusive. Since supporting evidence is limited at this time, the clinical significance of this alteration remains unclear.

Illumina Laboratory Services, Illumina
Classification: Uncertain significance for Colorectal cancer, hereditary nonpolyposis, type 7. Last evaluated: 2018-03-30. Review status: criteria provided, single submitter. Criteria: ICSL Variant Classification Criteria 13 December 2019. Collection method: clinical testing. Allele origin: germline.

NM_001040108.2(MLH3):c.1814C>T (p.Ser605Phe)

Gene: MLH3 (mutL homolog 3; minus strand). Cytogenetic location: 14q24.3.
Variant type: single nucleotide variant.
Coding change: c.1814C>T on transcript NM_001040108.2 (MANE Select); coding-DNA position 1814, C replaced by T.
Protein change: p.Ser605Phe; replaces serine 605 with phenylalanine.
Molecular consequence: missense variant.
Genome position (GRCh38, 1-based): chr14:75,047,842, G>A on the plus strand (C>T on the coding strand, the complement: MLH3 is on the minus strand). VCF-style: chr14-75047842-G-A. GRCh37 (hg19) VCF-style: chr14-75514545-G-A.
Other names: c.1814C>T, p.Ser605Phe (NM_014381.3); short protein forms S605F.
Identifiers: ClinVar variation 884293 (VCV000884293.8), dbSNP rs1892361991, ClinGen allele CA390444174.